The following is an entry in ClinVar:

ClinVar aggregate classification (germline): Uncertain significance (1 of 4 stars; one submission).

Submission:

Women's Health and Genetics/Laboratory Corporation of America, LabCorp
Classification: Uncertain significance. Last evaluated: 2025-01-30. Review status: criteria provided, single submitter. Criteria: LabCorp Variant Classification Summary - May 2015. Collection method: clinical testing. Allele origin: germline.
Comment: Variant summary: TTN c.31483+801A>G is located at a position not widely known to affect splicing. This variant corresponds to c.35501A>G, p.Glu11834Gly in NM_001267550. Consensus agreement among computation tools predict no significant impact on normal splicing. However, these predictions have yet to be confirmed by functional studies. The frequency data for this variant in gnomAD is considered unreliable, as metrics indicate poor data quality at this position. To our knowledge, no occurrence of c.31483+801A>G in individuals affected with Dilated Cardiomyopathy and no experimental evidence demonstrating its impact on protein function have been reported. ClinVar contains an entry for this variant (Variation ID: 3339613). Based on the evidence outlined above, the variant was classified as uncertain significance.

NM_001267550.2(TTN):c.35501A>G (p.Glu11834Gly)

Gene: TTN (titin; minus strand). Cytogenetic location: 2q31.2.
Variant type: single nucleotide variant.
Coding change: c.35501A>G on transcript NM_001267550.2 (MANE Select); coding-DNA position 35501, A replaced by G.
Protein change: p.Glu11834Gly; replaces glutamic acid 11834 with glycine.
Molecular consequence: missense variant. On other transcripts: intron variant (5).
Genome position (GRCh38, 1-based): chr2:178,669,417, T>C on the plus strand (A>G on the coding strand, the complement: TTN is on the minus strand). VCF-style: chr2-178669417-T-C. GRCh37 (hg19) VCF-style: chr2-179534144-T-C.
Other names: c.13283-27100A>G (NM_003319.4); c.13859-27100A>G (NM_133437.4); c.13658-27100A>G (NM_133432.3); c.31483+801A>G (NM_133378.4); c.34264+801A>G (NM_001256850.1); short protein forms E11834G.
Identifiers: ClinVar variation 3339613 (VCV003339613.3).